The following is an entry in ClinVar:

NM_005428.4(VAV1):c.2171_2173del (p.Glu724del)

Gene: VAV1 (vav guanine nucleotide exchange factor 1; plus strand). Cytogenetic location: 19p13.3.
Variant type: Deletion.
Coding change: c.2171_2173del on transcript NM_005428.4 (MANE Select); coding-DNA positions 2171 to 2173, 3 bases deleted (AAG; older notation c.2171_2173delAAG).
Protein change: p.Glu724del; deletes glutamic acid 724.
Molecular consequence: inframe deletion.
Genome position (GRCh38, 1-based): chr19:6,850,711-6,850,713, AAG deleted; deleting any 3 consecutive bases within chr19:6,850,709-6,850,713 gives the same sequence; the c. name uses the placement nearest the transcript's 3' end. VCF-style (leftmost placement, unchanged base first): chr19-6850708-CAGA-C. GRCh37 (hg19) VCF-style: chr19-6850719-CAGA-C.
Other names: c.2105_2107del, p.Glu702del (NM_001258206.2); c.2075_2077del, p.Glu692del (NM_001258207.2); short protein forms E724del, E692del, E702del.
Identifiers: ClinVar variation 1441195 (VCV001441195.8), dbSNP rs777231436, ClinGen allele CA9132881.

ClinVar aggregate classification (germline): Uncertain significance (1 of 4 stars; one submission).

Submission:

Labcorp Genetics (formerly Invitae), Labcorp
Classification: Uncertain significance. Last evaluated: 2025-10-03. Review status: criteria provided, single submitter. Criteria: Invitae Variant Classification Sherloc (09022015). Collection method: clinical testing. Allele origin: germline.
Comment: This variant, c.2171_2173del, results in the deletion of 1 amino acid(s) of the VAV1 protein (p.Glu724del), but otherwise preserves the integrity of the reading frame. This variant is present in population databases (rs777231436, gnomAD 0.008%). This variant has not been reported in the literature in individuals affected with VAV1-related conditions. ClinVar contains an entry for this variant (Variation ID: 1441195). Experimental studies and prediction algorithms are not available or were not evaluated, and the functional significance of this variant is currently unknown. In summary, the available evidence is currently insufficient to determine the role of this variant in disease. Therefore, it has been classified as a Variant of Uncertain Significance.